The following is an entry in ClinVar:

NM_014989.7(RIMS1):c.481G>C (p.Val161Leu)

Gene: RIMS1 (regulating synaptic membrane exocytosis 1; plus strand). Cytogenetic location: 6q13.
Variant type: single nucleotide variant.
Coding change: c.481G>C on transcript NM_014989.7 (MANE Select); coding-DNA position 481, G replaced by C.
Protein change: p.Val161Leu; replaces valine 161 with leucine.
Molecular consequence: missense variant.
Genome position (GRCh38, 1-based): chr6:72,179,584, G>C. VCF-style: chr6-72179584-G-C. GRCh37 (hg19) VCF-style: chr6-72889287-G-C.
Other names: short protein forms V161L.
Identifiers: ClinVar variation 2770735 (VCV002770735.3), dbSNP rs2048169801, ClinGen allele CA364818233.
Genomic context (GRCh38, chr6:72,179,584, plus strand): 5'-TTATTTCCAAGAGGGCATAAAAATTTATATTGTTCTTTCTTCTTCAAATAGGTTATGTGG[G>C]TATGCAATTTATGTCGAAAGCAACAAGAAATCTTAACCAAATCTGGGGCATGGTTCTTTG-3'
Protein context (NP_055804.2, residues 151-171): SNNEDKVVMW[Val161Leu]CNLCRKQQEI

ClinVar aggregate classification (germline): Uncertain significance (1 of 4 stars; one submission).

Submission:

Labcorp Genetics (formerly Invitae), Labcorp
Classification: Uncertain significance. Last evaluated: 2023-10-22. Review status: criteria provided, single submitter. Criteria: Invitae Variant Classification Sherloc (09022015). Collection method: clinical testing. Allele origin: germline.
Comment: This sequence change replaces valine, which is neutral and non-polar, with leucine, which is neutral and non-polar, at codon 161 of the RIMS1 protein (p.Val161Leu). This variant is not present in population databases (gnomAD no frequency). This variant has not been reported in the literature in individuals affected with RIMS1-related conditions. An algorithm developed to predict the effect of missense changes on protein structure and function (PolyPhen-2) suggests that this variant is likely to be disruptive. In summary, the available evidence is currently insufficient to determine the role of this variant in disease. Therefore, it has been classified as a Variant of Uncertain Significance.